The following is an entry in ClinVar:

ClinVar aggregate classification (germline): Likely benign. Review status: criteria provided, multiple submitters, no conflicts (2 of 4 stars). 3 submissions from 3 submitters: Likely benign (3). Last evaluated 2026-01-11.

Conditions:
Autosomal recessive limb-girdle muscular dystrophy type 2J (LGMDR10). Also called: Limb-girdle muscular dystrophy, type 2J; MUSCULAR DYSTROPHY, LIMB-GIRDLE, AUTOSOMAL RECESSIVE 10. Identifiers: Orphanet 140922, MedGen C1837342, MONDO:0012127, OMIM 608807.
Dilated cardiomyopathy 1G (CMD1G). Identifiers: Orphanet 154, MedGen C1858763, MONDO:0011400, OMIM 604145.

Allele frequency attached by ClinVar (database versions not stated): ExAC 0.00002; gnomAD exomes 0.00002 and 0.00003; TOPMed 0.00002; gnomAD 0.00005 and 0.00006; ESP Exome Variant Server 0.00008.
gnomAD v4.1: 43 of 1,613,226 alleles (0.0027%); highest among the groups gnomAD compares: African/African-American, 0.004%; no homozygotes.

Submissions (3):

Labcorp Genetics (formerly Invitae), Labcorp
Classification: Likely benign for Dilated cardiomyopathy 1G; Autosomal recessive limb-girdle muscular dystrophy type 2J. Last evaluated: 2026-01-11. Review status: criteria provided, single submitter. Criteria: Invitae Variant Classification Sherloc (09022015). Collection method: clinical testing. Allele origin: germline.

Blueprint Genetics
Classification: Likely benign. Last evaluated: 2024-04-02. Review status: criteria provided, single submitter. Criteria: ACMG Guidelines, 2015. Collection method: clinical testing. Allele origin: germline.

Laboratory for Molecular Medicine, Mass General Brigham Personalized Medicine
Classification: Likely benign. Last evaluated: 2012-03-19. Review status: criteria provided, single submitter. Criteria: LMM Criteria. Collection method: clinical testing. Allele origin: germline. Observed: 1 variant allele.
Comment: p.Thr4833Thr in Exon 59 of TTN: This variant is not expected to have clinical si gnificance because it does not alter an amino acid residue, is not located withi n the splice consensus sequence. It has been identified in 1/6702 European Ameri can chromosomes from a broad population by the NHLBI Exome Sequencing Project.

NM_001267550.2(TTN):c.18231C>T (p.Thr6077=)

Genes: TTN (titin; minus strand), LOC126806430 (BRD4-independent group 4 enhancer GRCh37_chr2:179593794-179594993; plus strand). Cytogenetic location: 2q31.2.
Variant type: single nucleotide variant.
Coding change: c.18231C>T on transcript NM_001267550.2 (MANE Select); coding-DNA position 18231, C replaced by T.
Protein change: p.Thr6077=; no amino-acid change (threonine 6077 retained).
Molecular consequence: synonymous variant. On other transcripts: intron variant (3).
Genome position (GRCh38, 1-based): chr2:178,730,169, G>A on the plus strand (C>T on the coding strand, the complement: TTN is on the minus strand). VCF-style: chr2-178730169-G-A. GRCh37 (hg19) VCF-style: chr2-179594896-G-A.
Other names: c.14499C>T, p.Thr4833= (NM_133378.4); c.17280C>T, p.Thr5760= (NM_001256850.1); c.13282+7913C>T (NM_003319.4); c.13858+7913C>T (NM_133437.4); c.13657+7913C>T (NM_133432.3).
Identifiers: ClinVar variation 228060 (VCV000228060.14), dbSNP rs377639910, ClinGen allele CA2001658.